The following is an entry in ClinVar:

ClinVar aggregate classification (germline): Uncertain significance (1 of 4 stars; one submission).

Conditions:
SEMA3F-related disorder. Also called: SEMA3F-related condition.

Submission:

PreventionGenetics, part of Exact Sciences
Classification: Uncertain significance for SEMA3F-related condition. Last evaluated: 2025-09-02. Review status: criteria provided, single submitter. Criteria: ACMG Guidelines, 2015. Collection method: clinical testing. Allele origin: germline.
Comment: The SEMA3F c.157A>G variant is predicted to result in the amino acid substitution p.Asn53Asp. To our knowledge, this variant has not been reported in the literature or in a large population database (gnomAD), indicating this variant is rare. At this time, the clinical significance of this variant is uncertain due to the absence of conclusive functional and genetic evidence.

NM_004186.5(SEMA3F):c.157A>G (p.Asn53Asp)

Gene: SEMA3F (semaphorin 3F; plus strand). Cytogenetic location: 3p21.31.
Variant type: single nucleotide variant.
Coding change: c.157A>G on transcript NM_004186.5 (MANE Select); coding-DNA position 157, A replaced by G.
Protein change: p.Asn53Asp; replaces asparagine 53 with aspartic acid.
Molecular consequence: missense variant. On other transcripts: 5 prime UTR variant (1).
Genome position (GRCh38, 1-based): chr3:50,173,837, A>G. VCF-style: chr3-50173837-A-G. GRCh37 (hg19) VCF-style: chr3-50211270-A-G.
Other names: c.-48A>G (NM_001318798.2); c.157A>G, p.Asn53Asp (NM_001318800.2); short protein forms N53D.
Identifiers: ClinVar variation 4996444 (VCV004996444.1).